The following is an entry in ClinVar:

ClinVar aggregate classification (germline): Likely benign. Review status: criteria provided, multiple submitters, no conflicts (2 of 4 stars). 2 submissions from 2 submitters: Likely benign (2). Last evaluated 2024-11-27.

Allele frequency attached by ClinVar (database versions not stated): 1000 Genomes Project 30x 0.00047; gnomAD exomes 0.00051; gnomAD 0.00058; ExAC 0.00075.
gnomAD v4.1: 817 of 1,605,970 alleles (0.051%); highest among the groups gnomAD compares: Non-Finnish European, 0.059%; 1 homozygote.

Submissions (2):

Blueprint Genetics
Classification: Likely benign. Last evaluated: 2024-11-27. Review status: criteria provided, single submitter. Criteria: ACMG Guidelines, 2015. Collection method: clinical testing. Allele origin: germline.

CeGaT Center for Human Genetics Tuebingen
Classification: Likely benign. Last evaluated: 2023-08-01. Review status: criteria provided, single submitter. Criteria: CeGaT Center For Human Genetics Tuebingen Variant Classification Criteria Version 2. Collection method: clinical testing. Allele origin: germline. Affected: yes. Observed: 2 variant alleles.
Comment: DDX11: BP4, BP7

NM_030653.4(DDX11):c.906G>A (p.Glu302=)

Gene: DDX11 (DEAD/H-box helicase 11; plus strand). Cytogenetic location: 12p11.21.
Variant type: single nucleotide variant.
Coding change: c.906G>A on transcript NM_030653.4 (MANE Select); coding-DNA position 906, G replaced by A.
Protein change: p.Glu302=; no amino-acid change (glutamic acid 302 retained).
Molecular consequence: synonymous variant. On other transcripts: 5 prime UTR variant (1), non-coding transcript variant (4).
Genome position (GRCh38, 1-based): chr12:31,089,911, G>A. VCF-style: chr12-31089911-G-A. GRCh37 (hg19) VCF-style: chr12-31242845-G-A.
Other names: c.906G>A, p.Glu302= (NM_001257144.2, NM_001413692.1, NM_001413693.1 and 5 more transcripts); c.828G>A, p.Glu276= (NM_001257145.2, NM_001413697.1, NM_001413698.1 and 1 more transcripts); c.819G>A, p.Glu273= (NM_001413700.1); c.378G>A, p.Glu126= (NM_001413702.1, NM_001413703.1); c.45G>A, p.Glu15= (NM_001413704.1, NM_001413705.1); c.-61G>A (NM_001413706.1).
Identifiers: ClinVar variation 2642817 (VCV002642817.25), dbSNP rs773573513, ClinGen allele CA6501056.
Genomic context (GRCh38, chr12:31,089,911, plus strand): 5'-TCTGTTTTCTCTCTTTGTGCCTGTGCCACCCTCAGAGAAGAAGAAAGGAGCTGAGGAGGA[G>A]AAGCCAAAGAGGAGGAGGCAGGAGAAGCAGGCAGCCTGCCCCTTCTACAACCACGAGCAG-3'
Protein context (NP_085911.2, residues 292-312): RHEKKKGAEE[Glu302=]KPKRRRQEKQ